The following is an entry in ClinVar:

NM_000321.3(RB1):c.116C>T (p.Pro39Leu)

Gene: RB1 (RB transcriptional corepressor 1; plus strand). Cytogenetic location: 13q14.2.
Variant type: single nucleotide variant.
Coding change: c.116C>T on transcript NM_000321.3 (MANE Select); coding-DNA position 116, C replaced by T.
Protein change: p.Pro39Leu; replaces proline 39 with leucine.
Molecular consequence: missense variant.
Genome position (GRCh38, 1-based): chr13:48,304,028, C>T. VCF-style: chr13-48304028-C-T. GRCh37 (hg19) VCF-style: chr13-48878164-C-T.
Other names: short protein forms P39L.
Identifiers: ClinVar variation 527911 (VCV000527911.19), dbSNP rs1180053508, ClinGen allele CA388250363.

ClinVar aggregate classification (germline): Conflicting classifications of pathogenicity. Review status: criteria provided, conflicting classifications (1 of 4 stars). 4 submissions from 4 submitters: Uncertain significance (2); Benign (1); Likely benign (1). Last evaluated 2026-01-14.

Conditions:
Retinoblastoma (RB1). Also called: RETINOBLASTOMA, SOMATIC. Identifiers: Orphanet 790, MedGen C0035335, MeSH D012175, MONDO:0008380, OMIM 180200, HP:0009919. Disease mechanism: loss of function. Inheritance: Both sporadic and heritable forms are tested..
Hereditary cancer-predisposing syndrome. Also called: Hereditary neoplastic syndrome; Tumor predisposition; Neoplastic Syndromes, Hereditary; Hereditary Cancer Syndrome. Identifiers: Orphanet 140162, MedGen C0027672, MeSH D009386, MONDO:0015356.

Allele frequency attached by ClinVar (database versions not stated): gnomAD 0.00001; TOPMed 0.00001.
gnomAD v4.1: 12 of 1,460,868 alleles (0.00082%); highest among the groups gnomAD compares: African/African-American, 0.003%; no homozygotes.

Submissions (4):

Labcorp Genetics (formerly Invitae), Labcorp
Classification: Benign for Retinoblastoma. Last evaluated: 2026-01-14. Review status: criteria provided, single submitter. Criteria: Invitae Variant Classification Sherloc (09022015). Collection method: clinical testing. Allele origin: germline.

All of Us Research Program, National Institutes of Health
Classification: Uncertain significance for Retinoblastoma. Last evaluated: 2024-06-11. Review status: criteria provided, single submitter. Criteria: ACMG Guidelines, 2015. Collection method: clinical testing. Allele origin: germline. Inheritance: Autosomal dominant inheritance. Observed: 4 variant alleles, 4 heterozygotes.
Comment: This missense variant replaces proline with leucine at codon 39 of the RB1 protein. Computational prediction suggests that this variant may not impact protein structure and function (internally defined REVEL score threshold <= 0.5, PMID: 27666373). To our knowledge, functional studies have not been reported for this variant. This variant has not been reported in individuals affected with RB1-related disorders in the literature. This variant has not been identified in the general population by the Genome Aggregation Database (gnomAD). The available evidence is insufficient to determine the role of this variant in disease conclusively. Therefore, this variant is classified as a Variant of Uncertain Significance.

This study involves interpretation of variants in research participants for the purpose of population health screening. Participant phenotype was not available at the time of variant classification. Additional details can be found in publication PMID: 35346344, PMCID: PMC8962531

Ambry Genetics
Classification: Likely benign for Hereditary cancer-predisposing syndrome. Last evaluated: 2024-01-24. Review status: criteria provided, single submitter. Criteria: Ambry Variant Classification Scheme 2023. Collection method: clinical testing. Allele origin: germline.

Blueprint Genetics
Classification: Uncertain significance. Last evaluated: 2022-04-27. Review status: criteria provided, single submitter. Criteria: ACMG Guidelines, 2015. Collection method: clinical testing. Allele origin: germline.